The following is an entry in ClinVar:

NM_000384.3(APOB):c.3377T>A (p.Ile1126Lys)

Gene: APOB (apolipoprotein B; minus strand). Cytogenetic location: 2p24.1.
Variant type: single nucleotide variant.
Coding change: c.3377T>A on transcript NM_000384.3 (MANE Select); coding-DNA position 3377, T replaced by A.
Protein change: p.Ile1126Lys; replaces isoleucine 1126 with lysine.
Molecular consequence: missense variant.
Genome position (GRCh38, 1-based): chr2:21,015,501, A>T on the plus strand (T>A on the coding strand, the complement: APOB is on the minus strand). VCF-style: chr2-21015501-A-T. GRCh37 (hg19) VCF-style: chr2-21238373-A-T.
Other names: short protein forms I1126K.
Identifiers: ClinVar variation 4975863 (VCV004975863.1).

ClinVar aggregate classification (germline): Uncertain significance (1 of 4 stars; one submission).

Submission:

GeneDx
Classification: Uncertain significance. Last evaluated: 2026-02-01. Review status: criteria provided, single submitter. Criteria: GeneDx Variant Classification Process June 2021. Collection method: clinical testing. Allele origin: germline.
Comment: Not observed at significant frequency in large population cohorts (gnomAD); In silico analysis supports that this missense variant has a deleterious effect on protein structure/function; Has not been previously published as pathogenic or benign to our knowledge